The following is an entry in ClinVar:

ClinVar aggregate classification (germline): Likely pathogenic (1 of 4 stars; one submission).

gnomAD v4.1: 10 of 1,612,816 alleles (0.00062%); highest among the groups gnomAD compares: East Asian, 0.022%; no homozygotes.

Submission:

Dasa
Classification: Likely pathogenic. Last evaluated: 2026-02-12. Review status: criteria provided, single submitter. Criteria: DASA Assertion Criteria. Collection method: clinical testing. Allele origin: germline.
Comment: NM_016213.5(TRIP4):c.697+2T>G affects a canonical splice site and is predicted to disrupt normal RNA splicing. Loss of function is an established disease mechanism for TRIP4-associated disorders. Also, this variant is rare in population databases. Based on the currently available evidence, this variant is classified as likely pathogenic.

NM_016213.5(TRIP4):c.697+2T>G

Gene: TRIP4 (thyroid hormone receptor interactor 4; plus strand). Cytogenetic location: 15q22.31.
Variant type: single nucleotide variant.
Coding change: c.697+2T>G on transcript NM_016213.5 (MANE Select); the canonical splice donor site of the intron after coding-DNA position 697, T replaced by G.
Molecular consequence: splice donor variant.
Genome position (GRCh38, 1-based): chr15:64,400,823, T>G. VCF-style: chr15-64400823-T-G. GRCh37 (hg19) VCF-style: chr15-64693022-T-G.
Other names: c.7+2T>G (NM_001321924.2).
Identifiers: ClinVar variation 4886226 (VCV004886226.2).
Genomic context (GRCh38, chr15:64,400,823, plus strand): 5'-AGATATTTTACAGCGTGACTCAAACAAGAGCCAGAAACTGCTAAAGAAACTCATGTCAGG[T>G]AGACAGCAGTCTTGTAATTGGATCACTGGGATGATGGGTACCTTGTTGCGTCTGTGGTTG-3'